The following is an entry in ClinVar:

ClinVar aggregate classification (germline): Uncertain significance. Review status: criteria provided, multiple submitters, no conflicts (2 of 4 stars). 2 submissions from 2 submitters: Uncertain significance (2). Last evaluated 2025-06-22.

Conditions:
Hypertrophic cardiomyopathy. Also called: HYPERTROPHIC MYOCARDIOPATHY. Identifiers: Orphanet 217569, MedGen C0007194, MeSH D002312, MONDO:0005045, HP:0001639.

Allele frequency attached by ClinVar (database versions not stated): TOPMed 0.00004; gnomAD 0.00006; ESP Exome Variant Server 0.00008; gnomAD exomes 0.00008 and 0.00006; ExAC 0.00013.
gnomAD v4.1: 99 of 1,608,378 alleles (0.0062%); highest among the groups gnomAD compares: African/African-American, 0.0094%; no homozygotes.

Submissions (2):

Ambry Genetics
Classification: Uncertain significance. Last evaluated: 2025-06-22. Review status: criteria provided, single submitter. Criteria: Ambry Variant Classification Scheme 2023. Collection method: clinical testing. Allele origin: germline.
Comment: The p.V319I variant (also known as c.955G>A), located in coding exon 5 of the MYOM1 gene, results from a G to A substitution at nucleotide position 955. The valine at codon 319 is replaced by isoleucine, an amino acid with highly similar properties. This amino acid position is conserved. In addition, this alteration is predicted to be tolerated by in silico analysis. Since supporting evidence is limited at this time, the clinical significance of this alteration remains unclear.

Labcorp Genetics (formerly Invitae), Labcorp
Classification: Uncertain significance for Hypertrophic cardiomyopathy. Last evaluated: 2024-09-17. Review status: criteria provided, single submitter. Criteria: Invitae Variant Classification Sherloc (09022015). Collection method: clinical testing. Allele origin: germline.
Comment: This sequence change replaces valine, which is neutral and non-polar, with isoleucine, which is neutral and non-polar, at codon 319 of the MYOM1 protein (p.Val319Ile). This variant is present in population databases (rs200578492, gnomAD 0.02%). This variant has not been reported in the literature in individuals affected with MYOM1-related conditions. ClinVar contains an entry for this variant (Variation ID: 1420124). Invitae Evidence Modeling of protein sequence and biophysical properties (such as structural, functional, and spatial information, amino acid conservation, physicochemical variation, residue mobility, and thermodynamic stability) indicates that this missense variant is not expected to disrupt MYOM1 protein function with a negative predictive value of 80%. In summary, the available evidence is currently insufficient to determine the role of this variant in disease. Therefore, it has been classified as a Variant of Uncertain Significance.

NM_003803.4(MYOM1):c.955G>A (p.Val319Ile)

Gene: MYOM1 (myomesin 1; minus strand). Cytogenetic location: 18p11.31.
Variant type: single nucleotide variant.
Coding change: c.955G>A on transcript NM_003803.4 (MANE Select); coding-DNA position 955, G replaced by A.
Protein change: p.Val319Ile; replaces valine 319 with isoleucine.
Molecular consequence: missense variant.
Genome position (GRCh38, 1-based): chr18:3,176,109, C>T on the plus strand (G>A on the coding strand, the complement: MYOM1 is on the minus strand). VCF-style: chr18-3176109-C-T. GRCh37 (hg19) VCF-style: chr18-3176107-C-T.
Other names: c.955G>A, p.Val319Ile (NM_019856.2); c.955G>A (NM_003803.3); short protein forms V319I.
Identifiers: ClinVar variation 1420124 (VCV001420124.9), dbSNP rs200578492, ClinGen allele CA8875118.